The following is an entry in ClinVar:

ClinVar aggregate classification (germline): Pathogenic (1 of 4 stars; one submission).

Conditions:
Cataract 1 multiple types. Also called: CATARACT 1, POSTERIOR SUBCAPSULAR, WITH MICROCORNEA; CATARACT 1, STELLATE NUCLEAR, WITH MICROCORNEA; CATARACT 1, NUCLEAR PROGRESSIVE; CATARACT 1 WITH MICROCORNEA; CATARACT 1, MULTIPLE TYPES, WITH OR WITHOUT MICROCORNEA; CATARACT, DUFFY-LINKED. Identifiers: Orphanet 1377, MedGen C1861828, MONDO:0007285, OMIM 116200.

Submission:

Labcorp Genetics (formerly Invitae), Labcorp
Classification: Pathogenic for Cataract 1 multiple types. Last evaluated: 2025-01-15. Review status: criteria provided, single submitter. Criteria: Invitae Variant Classification Sherloc (09022015). Collection method: clinical testing. Allele origin: germline.
Comment: This sequence change replaces tyrosine, which is neutral and polar, with serine, which is neutral and polar, at codon 66 of the GJA8 protein (p.Tyr66Ser). This variant is not present in population databases (gnomAD no frequency). This missense change has been observed in individual(s) with early onset bilateral cataracts (internal data). In at least one individual the variant was observed to be de novo. ClinVar contains an entry for this variant (Variation ID: 850845). Invitae Evidence Modeling of protein sequence and biophysical properties (such as structural, functional, and spatial information, amino acid conservation, physicochemical variation, residue mobility, and thermodynamic stability) indicates that this missense variant is expected to disrupt GJA8 protein function with a positive predictive value of 95%. For these reasons, this variant has been classified as Pathogenic.

NM_005267.5(GJA8):c.197A>C (p.Tyr66Ser)

Gene: GJA8 (gap junction protein alpha 8; plus strand). Cytogenetic location: 1q21.2.
Variant type: single nucleotide variant.
Coding change: c.197A>C on transcript NM_005267.5 (MANE Select); coding-DNA position 197, A replaced by C.
Protein change: p.Tyr66Ser; replaces tyrosine 66 with serine.
Molecular consequence: missense variant.
Genome position (GRCh38, 1-based): chr1:147,908,152, A>C. VCF-style: chr1-147908152-A-C. GRCh37 (hg19) VCF-style: chr1-147380279-A-C.
Other names: short protein forms Y66S.
Identifiers: ClinVar variation 850845 (VCV000850845.10), dbSNP rs1651881222, ClinGen allele CA342223492.